The following is an entry in ClinVar:

NM_000169.3(GLA):c.868A>G (p.Met290Val)

Genes: GLA (galactosidase alpha; minus strand), RPL36A-HNRNPH2 (RPL36A-HNRNPH2 readthrough; plus strand). Cytogenetic location: Xq22.1.
Variant type: single nucleotide variant.
Coding change: c.868A>G on transcript NM_000169.3 (MANE Select); coding-DNA position 868, A replaced by G.
Protein change: p.Met290Val; replaces methionine 290 with valine.
Molecular consequence: missense variant. On other transcripts: non-coding transcript variant (3), intron variant (2).
Genome position (GRCh38, 1-based): chrX:101,398,501, T>C on the plus strand (A>G on the coding strand, the complement: GLA is on the minus strand). VCF-style: chrX-101398501-T-C. GRCh37 (hg19) VCF-style: chrX-100653489-T-C.
Other names: c.991A>G, p.Met331Val (NM_001406747.1); c.868A>G, p.Met290Val (NM_001406748.1); c.300+3044T>C (NM_001199973.2); c.177+6679T>C (NM_001199974.2); short protein forms M290V, M331V.
Identifiers: ClinVar variation 1374130 (VCV001374130.13), dbSNP rs375538532, ClinGen allele CA413922647.

ClinVar aggregate classification (germline): Uncertain significance. Review status: criteria provided, multiple submitters, no conflicts (2 of 4 stars). 3 submissions from 3 submitters: Uncertain significance (3). Last evaluated 2026-09-08.

Conditions:
Fabry disease. Also called: ANDERSON-FABRY DISEASE; CERAMIDE TRIHEXOSIDASE DEFICIENCY; GLA DEFICIENCY; Angiokeratoma corporis diffusum; Fabry's disease; Ceramide trihexosidosis. Identifiers: Orphanet 324, MedGen C0002986, MONDO:0010526, OMIM 301500, HP:0001071. Disease mechanism: loss of function, Fabry disease is due to inactivating mutations in the X-linked GLA gene resulting in deficiency of the enzyme Alpha Galactosidase-A..

Submissions (3):

Genomenon, Inc
Classification: Uncertain significance for Fabry disease. Last evaluated: 2026-09-08. Review status: criteria provided, single submitter. Criteria: Genomenon Sequence Variant Interpretation Standards - Updated. Collection method: curation. Allele origin: germline. Affected: no.
Comment: GLA p.Met290Val (c.868A>G) is a missense variant that changes the amino acid at codon 290 from Methionine to Valine. This variant has been reported in the published literature (PMID:27560961;35725559). The presence of pathogenic/likely pathogenic missense variant(s) at the same amino acid position indicates that this residue is likely important for protein function. It is absent or not present at a significant frequency in gnomAD. In silico models predict that this variant is possibly or probably damaging. In conclusion, we classify GLA p.Met290Val (c.868A>G) as a variant of uncertain significance.

Labcorp Genetics (formerly Invitae), Labcorp
Classification: Uncertain significance for Fabry disease. Last evaluated: 2021-02-07. Review status: criteria provided, single submitter. Criteria: Invitae Variant Classification Sherloc (09022015). Collection method: clinical testing. Allele origin: germline.
Comment: This sequence change replaces methionine with valine at codon 290 of the GLA protein (p.Met290Val). The methionine residue is highly conserved and there is a small physicochemical difference between methionine and valine. This variant is not present in population databases (ExAC no frequency). This variant has been observed in individual(s) with Fabry disease (PMID: 27560961). Algorithms developed to predict the effect of missense changes on protein structure and function are either unavailable or do not agree on the potential impact of this missense change (SIFT: "Deleterious"; PolyPhen-2: "Probably Damaging"; Align-GVGD: "Class C0"). This variant disrupts the p.Met290 amino acid residue in GLA. Other variant(s) that disrupt this residue have been determined to be pathogenic (PMID: 29307789, 23935525, 27773586, 28728877, 22773828). This suggests that this residue is clinically significant, and that variants that disrupt this residue are likely to be disease-causing. In summary, the available evidence is currently insufficient to determine the role of this variant in disease. Therefore, it has been classified as a Variant of Uncertain Significance.

Revvity Omics, Revvity
Classification: Uncertain significance. Last evaluated: 2020-09-08. Review status: criteria provided, single submitter. Criteria: ACMG Guidelines, 2015. Collection method: clinical testing. Allele origin: germline.

Literature cited by the submitters: PubMed 27560961 (cited by Genomenon, Inc and Labcorp Genetics (formerly Invitae), Labcorp); PubMed 35725559 (cited by Genomenon, Inc); PubMed 29307789 (cited by Labcorp Genetics (formerly Invitae), Labcorp); PubMed 23935525 (cited by Labcorp Genetics (formerly Invitae), Labcorp); PubMed 27773586 (cited by Labcorp Genetics (formerly Invitae), Labcorp); PubMed 28728877 (cited by Labcorp Genetics (formerly Invitae), Labcorp); PubMed 22773828 (cited by Labcorp Genetics (formerly Invitae), Labcorp).